The following is an entry in ClinVar:

NM_031475.3(ESPN):c.265C>A (p.Leu89Met)

Gene: ESPN (espin; plus strand). Cytogenetic location: 1p36.31.
Variant type: single nucleotide variant.
Coding change: c.265C>A on transcript NM_031475.3 (MANE Select); coding-DNA position 265, C replaced by A.
Protein change: p.Leu89Met; replaces leucine 89 with methionine.
Molecular consequence: missense variant.
Genome position (GRCh38, 1-based): chr1:6,425,220, C>A. VCF-style: chr1-6425220-C-A. GRCh37 (hg19) VCF-style: chr1-6485280-C-A.
Other names: c.265C>A, p.Leu89Met (NM_001367473.1, NM_001367474.1); short protein forms L89M.
Identifiers: ClinVar variation 4074740 (VCV004074740.1).

ClinVar aggregate classification (germline): Uncertain significance (1 of 4 stars; one submission).

Conditions:
Autosomal recessive nonsyndromic hearing loss 28. Identifiers: Orphanet 90636, MedGen C1853276, MONDO:0012355, OMIM 609823.

gnomAD v4.1: 1 of 1,560,976 alleles (0.000064%); highest among the groups gnomAD compares: Non-Finnish European, 0.000086%; no homozygotes.

Submission:

Institute of Immunology and Genetics Kaiserslautern
Classification: Uncertain significance for Autosomal recessive nonsyndromic hearing loss 28. Last evaluated: 2025-05-07. Review status: criteria provided, single submitter. Criteria: ACMG Guidelines, 2015. Collection method: clinical testing. Allele origin: germline.
Comment: ACMG Criteria: PM2_P, PP3; Variant was found in heterozygous state.